The following is an entry in ClinVar:

NM_002519.3(NPAT):c.2273G>A (p.Ser758Asn)

Gene: NPAT (nuclear protein, coactivator of histone transcription; minus strand). Cytogenetic location: 11q22.3.
Variant type: single nucleotide variant.
Coding change: c.2273G>A on transcript NM_002519.3 (MANE Select); coding-DNA position 2273, G replaced by A.
Protein change: p.Ser758Asn; replaces serine 758 with asparagine.
Molecular consequence: missense variant.
Genome position (GRCh38, 1-based): chr11:108,172,711, C>T on the plus strand (G>A on the coding strand, the complement: NPAT is on the minus strand). VCF-style: chr11-108172711-C-T. GRCh37 (hg19) VCF-style: chr11-108043438-C-T.
Other names: c.2273G>A, p.Ser758Asn (NM_001321307.1); short protein forms S758N.
Identifiers: ClinVar variation 1788820 (VCV001788820.4), dbSNP rs757369349, ClinGen allele CA382513325.
Genomic context (GRCh38, chr11:108,172,711, plus strand): 5'-TTAGTAGGAGAAGACAAGATTATAGTTGGCAGGTTTTCTCCATTAATACTAGAAACAGCA[C>T]TGGTAAGTTCAGTATCTGAGGAAACAAATGGATCATCACTAATGATAACTTTGAGAGAGA-3'
Protein context (NP_002510.2, residues 748-768): PFVSSDTELT[Ser758Asn]AVSSINGENL

ClinVar aggregate classification (germline): Uncertain significance. Review status: criteria provided, multiple submitters, no conflicts (2 of 4 stars). 2 submissions from 2 submitters: Uncertain significance (2). Last evaluated 2024-05-15.

Allele frequency attached by ClinVar (database versions not stated): TOPMed below 0.00001.
gnomAD v4.1: 1 of 1,613,652 alleles (0.000062%); no homozygotes.

Submissions (2):

Labcorp Genetics (formerly Invitae), Labcorp
Classification: Uncertain significance. Last evaluated: 2024-05-15. Review status: criteria provided, single submitter. Criteria: Invitae Variant Classification Sherloc (09022015). Collection method: clinical testing. Allele origin: germline.
Comment: This sequence change replaces serine, which is neutral and polar, with asparagine, which is neutral and polar, at codon 758 of the NPAT protein (p.Ser758Asn). This variant is not present in population databases (gnomAD no frequency). This variant has not been reported in the literature in individuals affected with NPAT-related conditions. ClinVar contains an entry for this variant (Variation ID: 1788820). Algorithms developed to predict the effect of missense changes on protein structure and function output the following: SIFT: "Not Available"; PolyPhen-2: "Benign"; Align-GVGD: "Not Available". The asparagine amino acid residue is found in multiple mammalian species, which suggests that this missense change does not adversely affect protein function. In summary, the available evidence is currently insufficient to determine the role of this variant in disease. Therefore, it has been classified as a Variant of Uncertain Significance.

Ambry Genetics
Classification: Uncertain significance. Last evaluated: 2021-12-23. Review status: criteria provided, single submitter. Criteria: Ambry Variant Classification Scheme 2023. Collection method: clinical testing. Allele origin: germline.
Comment: The p.S758N variant (also known as c.2273G>A), located in coding exon 13 of the NPAT gene, results from a G to A substitution at nucleotide position 2273. The serine at codon 758 is replaced by asparagine, an amino acid with highly similar properties. This amino acid position is conserved. In addition, this alteration is predicted to be tolerated by in silico analysis. Since supporting evidence is limited at this time, the clinical significance of this alteration remains unclear.